The following is an entry in ClinVar:

ClinVar aggregate classification (germline): Uncertain significance. Review status: criteria provided, multiple submitters, no conflicts (2 of 4 stars). 2 submissions from 2 submitters: Uncertain significance (2). Last evaluated 2025-10-22.

Conditions:
Hereditary cancer-predisposing syndrome. Also called: Tumor predisposition; Hereditary Cancer Syndrome; Hereditary neoplastic syndrome; Neoplastic Syndromes, Hereditary. Identifiers: Orphanet 140162, MedGen C0027672, MeSH D009386, MONDO:0015356.
POLD1-related polyposis and colorectal cancer syndrome (CRCS10). Also called: Colorectal cancer 10; COLORECTAL CANCER, SUSCEPTIBILITY TO, ON CHROMOSOME 19q; Colorectal cancer, susceptibility to, 10. Identifiers: Orphanet 220460, MedGen C2675481, MONDO:0012953, OMIM 612591.

Allele frequency attached by ClinVar (database versions not stated): gnomAD 0.00028; TOPMed 0.00036.
gnomAD v4.1: 39 of 1,560,458 alleles (0.0025%); 1 homozygote.

Submissions (2):

Ambry Genetics
Classification: Uncertain significance for Hereditary cancer-predisposing syndrome. Last evaluated: 2025-10-22. Review status: criteria provided, single submitter. Criteria: Ambry Variant Classification Scheme 2023. Collection method: clinical testing. Allele origin: germline.

Labcorp Genetics (formerly Invitae), Labcorp
Classification: Uncertain significance for POLD1-related polyposis and colorectal cancer syndrome. Last evaluated: 2024-07-01. Review status: criteria provided, single submitter. Criteria: Invitae Variant Classification Sherloc (09022015). Collection method: clinical testing. Allele origin: germline.
Comment: This sequence change replaces threonine, which is neutral and polar, with serine, which is neutral and polar, at codon 356 of the POLD1 protein (p.Thr356Ser). This variant is not present in population databases (gnomAD no frequency). This variant has not been reported in the literature in individuals affected with POLD1-related conditions. ClinVar contains an entry for this variant (Variation ID: 1059371). Advanced modeling of protein sequence and biophysical properties (such as structural, functional, and spatial information, amino acid conservation, physicochemical variation, residue mobility, and thermodynamic stability) performed at Invitae indicates that this missense variant is not expected to disrupt POLD1 protein function with a negative predictive value of 80%. In summary, the available evidence is currently insufficient to determine the role of this variant in disease. Therefore, it has been classified as a Variant of Uncertain Significance.

NM_002691.4(POLD1):c.1067C>G (p.Thr356Ser)

Gene: POLD1 (DNA polymerase delta 1, catalytic subunit; plus strand). Cytogenetic location: 19q13.33.
Variant type: single nucleotide variant.
Coding change: c.1067C>G on transcript NM_002691.4 (MANE Select); coding-DNA position 1067, C replaced by G.
Protein change: p.Thr356Ser; replaces threonine 356 with serine.
Molecular consequence: missense variant. On other transcripts: non-coding transcript variant (1).
Genome position (GRCh38, 1-based): chr19:50,403,149, C>G. VCF-style: chr19-50403149-C-G. GRCh37 (hg19) VCF-style: chr19-50906406-C-G.
Other names: c.1067C>G, p.Thr356Ser (NM_001256849.1, NM_001308632.1); short protein forms T356S.
Identifiers: ClinVar variation 1059371 (VCV001059371.11), dbSNP rs989090668, ClinGen allele CA309601311.